The following is an entry in ClinVar:

NM_003737.4(DCHS1):c.4481C>G (p.Ala1494Gly)

Gene: DCHS1 (dachsous cadherin-related 1; minus strand). Cytogenetic location: 11p15.4.
Variant type: single nucleotide variant.
Coding change: c.4481C>G on transcript NM_003737.4 (MANE Select); coding-DNA position 4481, C replaced by G.
Protein change: p.Ala1494Gly; replaces alanine 1494 with glycine.
Molecular consequence: missense variant.
Genome position (GRCh38, 1-based): chr11:6,630,313, G>C on the plus strand (C>G on the coding strand, the complement: DCHS1 is on the minus strand). VCF-style: chr11-6630313-G-C. GRCh37 (hg19) VCF-style: chr11-6651544-G-C.
Other names: short protein forms A1494G.
Identifiers: ClinVar variation 3666079 (VCV003666079.2).

ClinVar aggregate classification (germline): Uncertain significance (1 of 4 stars; one submission).

Submission:

Labcorp Genetics (formerly Invitae), Labcorp
Classification: Uncertain significance. Last evaluated: 2024-11-24. Review status: criteria provided, single submitter. Criteria: Invitae Variant Classification Sherloc (09022015). Collection method: clinical testing. Allele origin: germline.
Comment: This sequence change replaces alanine, which is neutral and non-polar, with glycine, which is neutral and non-polar, at codon 1494 of the DCHS1 protein (p.Ala1494Gly). This variant is not present in population databases (gnomAD no frequency). This variant has not been reported in the literature in individuals affected with DCHS1-related conditions. Invitae Evidence Modeling of protein sequence and biophysical properties (such as structural, functional, and spatial information, amino acid conservation, physicochemical variation, residue mobility, and thermodynamic stability) indicates that this missense variant is not expected to disrupt DCHS1 protein function with a negative predictive value of 80%. In summary, the available evidence is currently insufficient to determine the role of this variant in disease. Therefore, it has been classified as a Variant of Uncertain Significance.